The following is an entry in ClinVar:

NM_001128840.3(CACNA1D):c.5872-17G>T

Gene: CACNA1D (calcium voltage-gated channel subunit alpha1 D; plus strand). Cytogenetic location: 3p21.1.
Variant type: single nucleotide variant.
Coding change: c.5872-17G>T on transcript NM_001128840.3 (MANE Select); 17 bases into the intron before coding-DNA position 5872, G replaced by T.
Molecular consequence: intron variant.
Genome position (GRCh38, 1-based): chr3:53,809,961, G>T. VCF-style: chr3-53809961-G-T. GRCh37 (hg19) VCF-style: chr3-53843988-G-T.
Other names: c.5800-17G>T (NM_001128839.3); c.5932-17G>T (NM_000720.4).
Identifiers: ClinVar variation 2992047 (VCV002992047.3), dbSNP rs2474558496, ClinGen allele CA2740094478.

ClinVar aggregate classification (germline): Uncertain significance (1 of 4 stars; one submission).

Submission:

Labcorp Genetics (formerly Invitae), Labcorp
Classification: Uncertain significance. Last evaluated: 2023-08-30. Review status: criteria provided, single submitter. Criteria: Invitae Variant Classification Sherloc (09022015). Collection method: clinical testing. Allele origin: germline.
Comment: In summary, the available evidence is currently insufficient to determine the role of this variant in disease. Therefore, it has been classified as a Variant of Uncertain Significance. This sequence change falls in intron 47 of the CACNA1D gene. It does not directly change the encoded amino acid sequence of the CACNA1D protein. This variant is not present in population databases (gnomAD no frequency). Algorithms developed to predict the effect of sequence changes on RNA splicing suggest that this variant may disrupt the consensus splice site. This variant has not been reported in the literature in individuals affected with CACNA1D-related conditions.